The following is an entry in ClinVar:

ClinVar aggregate classification (germline): Uncertain significance (1 of 4 stars; one submission).

Conditions:
Developmental and epileptic encephalopathy, 11 (DEE11). Also called: Early infantile epileptic encephalopathy 11. Identifiers: Orphanet 1934, MedGen C3150987, MONDO:0013388, OMIM 613721.
Seizures, benign familial infantile, 3 (BFIS3). Also called: CONVULSIONS, BENIGN FAMILIAL INFANTILE, 3; Familial neonatal seizures. Identifiers: Orphanet 140927, Orphanet 306, MedGen C1843140, MONDO:0011904, OMIM 607745.

Submission:

Labcorp Genetics (formerly Invitae), Labcorp
Classification: Uncertain significance for Seizures, benign familial infantile, 3; Developmental and epileptic encephalopathy, 11. Last evaluated: 2017-10-30. Review status: criteria provided, single submitter. Criteria: Invitae Variant Classification Sherloc (09022015). Collection method: clinical testing. Allele origin: germline.
Comment: Algorithms developed to predict the effect of missense changes on protein structure and function do not agree on the potential impact of this missense change (SIFT: "Tolerated"; PolyPhen-2: "Possibly Damaging"; Align-GVGD: "Class C0"). In summary, the available evidence is currently insufficient to determine the role of this variant in disease. Therefore, it has been classified as a Variant of Uncertain Significance. This variant has not been reported in the literature in individuals with SCN2A-related disease. This sequence change replaces valine with leucine at codon 1401 of the SCN2A protein (p.Val1401Leu). The valine residue is highly conserved and there is a small physicochemical difference between valine and leucine. This variant is not present in population databases (ExAC no frequency).

NM_001040142.2(SCN2A):c.4201G>C (p.Val1401Leu)

Gene: SCN2A (sodium voltage-gated channel alpha subunit 2; plus strand). Cytogenetic location: 2q24.3.
Variant type: single nucleotide variant.
Coding change: c.4201G>C on transcript NM_001040142.2 (MANE Select); coding-DNA position 4201, G replaced by C.
Protein change: p.Val1401Leu; replaces valine 1401 with leucine.
Molecular consequence: missense variant.
Genome position (GRCh38, 1-based): chr2:165,374,913, G>C. VCF-style: chr2-165374913-G-C. GRCh37 (hg19) VCF-style: chr2-166231423-G-C.
Other names: c.4201G>C, p.Val1401Leu (NM_001040143.2, NM_001371246.1, NM_001371247.1 and 1 more transcripts); short protein forms V1401L.
Identifiers: ClinVar variation 533498 (VCV000533498.9), dbSNP rs1264909971, ClinGen allele CA349031514.